The following is an entry in ClinVar:

NM_004608.4(TBX6):c.1114G>A (p.Glu372Lys)

Gene: TBX6 (T-box transcription factor 6; minus strand). Cytogenetic location: 16p11.2.
Variant type: single nucleotide variant.
Coding change: c.1114G>A on transcript NM_004608.4 (MANE Select); coding-DNA position 1114, G replaced by A.
Protein change: p.Glu372Lys; replaces glutamic acid 372 with lysine.
Molecular consequence: missense variant.
Genome position (GRCh38, 1-based): chr16:30,086,422, C>T on the plus strand (G>A on the coding strand, the complement: TBX6 is on the minus strand). VCF-style: chr16-30086422-C-T. GRCh37 (hg19) VCF-style: chr16-30097743-C-T.
Other names: short protein forms E372K.
Identifiers: ClinVar variation 1909770 (VCV001909770.5), dbSNP rs1392565764, ClinGen allele CA395513062.
Genomic context (GRCh38, chr16:30,086,422, plus strand): 5'-CGTGCGGCAGCTCCAGAAATGCAGCCGAGTAGGGGGCTGAGCGCCCGGAGTCTGGAGCCT[C>T]CGGGAAGCTGGGGCTCCTGACATGGAGAGAGGGATGTCAGAGCAGGGCAGAGGGACCCGC-3'
Protein context (NP_004599.2, residues 362-382): HLPTRSPSFP[Glu372Lys]APDSGRSAPY

ClinVar aggregate classification (germline): Uncertain significance (1 of 4 stars; one submission).

Allele frequency attached by ClinVar (database versions not stated): gnomAD exomes below 0.00001; TOPMed below 0.00001.

Submission:

Labcorp Genetics (formerly Invitae), Labcorp
Classification: Uncertain significance. Last evaluated: 2022-03-14. Review status: criteria provided, single submitter. Criteria: Invitae Variant Classification Sherloc (09022015). Collection method: clinical testing. Allele origin: germline.
Comment: In summary, the available evidence is currently insufficient to determine the role of this variant in disease. Therefore, it has been classified as a Variant of Uncertain Significance. Algorithms developed to predict the effect of missense changes on protein structure and function (SIFT, PolyPhen-2, Align-GVGD) all suggest that this variant is likely to be tolerated. This variant has not been reported in the literature in individuals affected with TBX6-related conditions. The frequency data for this variant in the population databases is considered unreliable, as metrics indicate poor data quality at this position in the gnomAD database. This sequence change replaces glutamic acid, which is acidic and polar, with lysine, which is basic and polar, at codon 372 of the TBX6 protein (p.Glu372Lys).